The following is an entry in ClinVar:

Single allele

Genes: LRRC69 (leucine rich repeat containing 69; plus strand), LOC129390023 (MPRA-validated peak7106 silencer; plus strand). Cytogenetic location: 8q21.3.
Variant type: Deletion.
Identifiers: ClinVar variation 157124 (VCV000157124.2).

ClinVar aggregate classification (germline): not provided (0 of 4 stars; one submission).

Conditions:
Small for gestational age. Also called: Low birth weight. Identifiers: MedGen C0235991, HP:0001518.

Submission:

Institute of Molecular and Cell Biology, University of Tartu
No classification provided. Condition: Small for gestational age. Review status: no classification provided. Collection method: case-control. Allele origin: unknown. Affected: yes. Study: Kasak2014.
Comment: The study aimed to determine the contribution of copy number variants in the genetic etiology of normal and complicated pregnancies. The samples represented (i) maternal blood DNA drawn from healthy pregnant women during 1st or 2nd trimester and (ii) maternal and paternal blood DNA drawn at term pregnancy cases representing normal and complicated gestations (severe preeclampsia, PE; gestational diabetes, GD; small-for-gestational age newborn, SGA; large-for-gestational age newborn, LGA). We performed CNV calling based on genome-wide genotyping dataset (Illumina HumanOmniExpress-24-v1 BeadChip) by applying three algorithms, QuantiSNP, GADA (Genome Alteration Detection Algorithm) and CNstream in parallel. The acquired CNV calls were merged with HD-CNV (Hotspot Detector for Copy Number Variants) program and only the CNVs predicted by at least two programs, were considered in subsequent analysis.

Literature cited by the submitters: PubMed 25666259.